The following is an entry in ClinVar:

NM_021074.5(NDUFV2):c.580-20A>G

Genes: NDUFV2 (NADH:ubiquinone oxidoreductase core subunit V2; plus strand), NDUFV2-AS1 (NDUFV2 antisense RNA 1; minus strand). Cytogenetic location: 18p11.22.
Variant type: single nucleotide variant.
Coding change: c.580-20A>G on transcript NM_021074.5 (MANE Select); 20 bases into the intron before coding-DNA position 580, A replaced by G.
Molecular consequence: intron variant.
Genome position (GRCh38, 1-based): chr18:9,126,811, A>G. VCF-style: chr18-9126811-A-G. GRCh37 (hg19) VCF-style: chr18-9126809-A-G.
Other names: c.580-20A>G (NM_021074.4).
Identifiers: ClinVar variation 516390 (VCV000516390.8), dbSNP rs551027857, ClinGen allele CA8887271.
Genomic context (GRCh38, chr18:9,126,811, plus strand): 5'-ATAGTGAGACCTTGTCTCTATAAATATATCGATATAAAAGAAAGTAATTTAAATATGACT[A>G]TTGTTAATTTTTTTTCCAGGAGGATTTGACAGCTAAGGATATTGAAGAAATTATTGATGA-3'

ClinVar aggregate classification (germline): Likely benign. Review status: criteria provided, multiple submitters, no conflicts (2 of 4 stars). 3 submissions from 3 submitters: Likely benign (2). 1 of the submissions does not count toward it. Last evaluated 2025-10-29.

Conditions:
NDUFV2-related disorder. Also called: NDUFV2-related condition.

Allele frequency attached by ClinVar (database versions not stated): gnomAD 0.00007 and 0.00008; gnomAD exomes 0.00009; ExAC 0.00012; TOPMed 0.00015; 1000 Genomes Project 30x 0.00016; 1000 Genomes Project 0.00020.
gnomAD v4.1: 141 of 1,575,380 alleles (0.009%); highest among the groups gnomAD compares: Middle Eastern, 0.1%; 1 homozygote.

Submissions (3):

Labcorp Genetics (formerly Invitae), Labcorp
Classification: Likely benign. Last evaluated: 2025-10-29. Review status: criteria provided, single submitter. Criteria: Invitae Variant Classification Sherloc (09022015). Collection method: clinical testing. Allele origin: germline.

GeneDx
Classification: Likely benign. Last evaluated: 2017-06-13. Review status: criteria provided, single submitter. Criteria: GeneDx Variant Classification (06012015). Collection method: clinical testing. Allele origin: germline. Affected: yes.
Comment: This variant is considered likely benign or benign based on one or more of the following criteria: it is a conservative change, it occurs at a poorly conserved position in the protein, it is predicted to be benign by multiple in silico algorithms, and/or has population frequency not consistent with disease.

PreventionGenetics, part of Exact Sciences
Classification: Likely benign for NDUFV2-related condition. Last evaluated: 2021-03-22. Review status: no assertion criteria provided. Collection method: clinical testing. Allele origin: germline. Not counted in ClinVar's aggregate classification.
Comment: This variant is classified as likely benign based on ACMG/AMP sequence variant interpretation guidelines (Richards et al. 2015 PMID: 25741868, with internal and published modifications).